The following is an entry in ClinVar:

NM_001374385.1(ATP8B1):c.114T>G (p.Ser38=)

Gene: ATP8B1 (ATPase phospholipid transporting 8B1; minus strand). Cytogenetic location: 18q21.31.
Variant type: single nucleotide variant.
Coding change: c.114T>G on transcript NM_001374385.1 (MANE Select); coding-DNA position 114, T replaced by G.
Protein change: p.Ser38=; no amino-acid change (serine 38 retained).
Molecular consequence: synonymous variant. On other transcripts: missense variant (1).
Genome position (GRCh38, 1-based): chr18:57,731,694, A>C on the plus strand (T>G on the coding strand, the complement: ATP8B1 is on the minus strand). VCF-style: chr18-57731694-A-C. GRCh37 (hg19) VCF-style: chr18-55398926-A-C.
Other names: c.62T>G, p.Leu21Arg (NM_001374386.1); c.114T>G, p.Ser38= (NM_005603.6); short protein forms L21R.
Identifiers: ClinVar variation 501859 (VCV000501859.11), dbSNP rs141463153, ClinGen allele CA8974951.

ClinVar aggregate classification (germline): Conflicting classifications of pathogenicity. Review status: criteria provided, conflicting classifications (1 of 4 stars). 4 submissions from 4 submitters: Uncertain significance (1); Likely benign (2). 1 of the submissions does not count toward it. Last evaluated 2026-01-15.

Conditions:
ATP8B1-related disorder. Also called: ATP8B1-related condition; ATP8B1-related disorders.

Allele frequency attached by ClinVar (database versions not stated): gnomAD exomes 0.00005 and 0.00010; ExAC 0.00014; 1000 Genomes Project 0.00040; 1000 Genomes Project 30x 0.00047; gnomAD 0.00050 and 0.00055; ESP Exome Variant Server 0.00062; TOPMed 0.00070.
gnomAD v4.1: 143 of 1,614,158 alleles (0.0089%); highest among the groups gnomAD compares: African/African-American, 0.18%; no homozygotes.

Submissions (4):

Labcorp Genetics (formerly Invitae), Labcorp
Classification: Likely benign. Last evaluated: 2026-01-15. Review status: criteria provided, single submitter. Criteria: Invitae Variant Classification Sherloc (09022015). Collection method: clinical testing. Allele origin: germline.

Eurofins Ntd Llc (ga)
Classification: Uncertain significance. Last evaluated: 2017-05-02. Review status: criteria provided, single submitter. Criteria: EGL Classification Definitions 2015. Collection method: clinical testing. Allele origin: germline. Observed: 1 variant allele, 1 heterozygote.

GeneDx
Classification: Likely benign. Last evaluated: 2017-01-25. Review status: criteria provided, single submitter. Criteria: GeneDx Variant Classification (06012015). Collection method: clinical testing. Allele origin: germline. Affected: yes.
Comment: This variant is considered likely benign or benign based on one or more of the following criteria: it is a conservative change, it occurs at a poorly conserved position in the protein, it is predicted to be benign by multiple in silico algorithms, and/or has population frequency not consistent with disease.

PreventionGenetics, part of Exact Sciences
Classification: Likely benign for ATP8B1-related condition. Last evaluated: 2019-11-11. Review status: no assertion criteria provided. Collection method: clinical testing. Allele origin: germline. Not counted in ClinVar's aggregate classification.
Comment: This variant is classified as likely benign based on ACMG/AMP sequence variant interpretation guidelines (Richards et al. 2015 PMID: 25741868, with internal and published modifications).